The following is an entry in ClinVar:

NM_144687.4(NLRP12):c.627A>G (p.Pro209=)

Gene: NLRP12 (NLR family pyrin domain containing 12; minus strand). Cytogenetic location: 19q13.42.
Variant type: single nucleotide variant.
Coding change: c.627A>G on transcript NM_144687.4 (MANE Select); coding-DNA position 627, A replaced by G.
Protein change: p.Pro209=; no amino-acid change (proline 209 retained).
Molecular consequence: synonymous variant.
Genome position (GRCh38, 1-based): chr19:53,811,032, T>C on the plus strand (A>G on the coding strand, the complement: NLRP12 is on the minus strand). VCF-style: chr19-53811032-T-C. GRCh37 (hg19) VCF-style: chr19-54314286-T-C.
Other names: c.627A>G, p.Pro209= (NM_001277126.2, NM_001277129.1).
Identifiers: ClinVar variation 1694940 (VCV001694940.31), dbSNP rs2122680445, ClinGen allele CA508854502.

ClinVar aggregate classification (germline): Likely benign (1 of 4 stars; one submission).

Allele frequency attached by ClinVar (database versions not stated): gnomAD exomes below 0.00001.
gnomAD v4.1: 1 of 1,612,992 alleles (0.000062%); highest among the groups gnomAD compares: Non-Finnish European, 0.000085%; no homozygotes.

Submission:

CeGaT Center for Human Genetics Tuebingen
Classification: Likely benign. Last evaluated: 2022-05-01. Review status: criteria provided, single submitter. Criteria: CeGaT Center For Human Genetics Tuebingen Variant Classification Criteria Version 2. Collection method: clinical testing. Allele origin: germline. Affected: yes. Observed: 1 variant allele.
Comment: NLRP12: PM2:Supporting, BP4, BP7